The following is an entry in ClinVar:

ClinVar aggregate classification (germline): Uncertain significance (1 of 4 stars; one submission).

Submission:

GeneDx
Classification: Uncertain significance. Last evaluated: 2022-08-04. Review status: criteria provided, single submitter. Criteria: GeneDx Variant Classification Process June 2021. Collection method: clinical testing. Allele origin: germline. Affected: yes.
Comment: Not observed at significant frequency in large population cohorts (gnomAD); Has not been previously published as pathogenic or benign to our knowledge

NM_002336.3(LRP6):c.3184_3185inv (p.Val1062Thr)

Gene: LRP6 (LDL receptor related protein 6; minus strand). Cytogenetic location: 12p13.2.
Variant type: Inversion.
Coding change: c.3184_3185inv on transcript NM_002336.3 (MANE Select).
Protein change: p.Val1062Thr; replaces valine 1062 with threonine.
Molecular consequence: missense variant.
Genome position: GRCh38 VCF-style: chr12-12148963-AC-GT. GRCh37 (hg19) VCF-style: chr12-12301897-AC-GT.
Other names: c.3184_3185invGT, p.Val1062Thr (NM_001414244.1, NM_001414245.1, NM_001414246.1 and 4 more transcripts); c.2986_2987invGT, p.Val996Thr (NM_001414247.1); c.2731_2732invGT, p.Val911Thr (NM_001414252.1, NM_001414253.1, NM_001414254.1); c.2677_2678invGT, p.Val893Thr (NM_001414255.1); short protein forms V1062T, V893T, V911T, V996T.
Identifiers: ClinVar variation 2428964 (VCV002428964.3), ClinGen allele CA2580085158.
Genomic context (GRCh38, chr12:12,148,963, plus strand): 5'-CAGAAGCCACAGTATCTGAACGCCACTTTAGTAACATACCCTTTCTCTGGGTTTACCACA[AC>GT]GGCTCGAGGTCTGTCCTGCTCGCCTTTCAGCACCACTCCAACTGATCTCCCATCTAATCT-3'
Protein context (NP_002327.2, residues 1052-1072): LKGEQDRPRA[Val1062Thr]VVNPEKGYMY